The following is an entry in ClinVar:

ClinVar aggregate classification (germline): Uncertain significance (1 of 4 stars; one submission).

Conditions:
Majeed syndrome (MJDS). Also called: LPIN2-Related Majeed Syndrome; CHRONIC RECURRENT MULTIFOCAL OSTEOMYELITIS 1, WITH CONGENITAL DYSERYTHROPOIETIC ANEMIA, WITH OR WITHOUT NEUTROPHILIC DERMATOSIS. Identifiers: Orphanet 77297, MedGen C1864997, MONDO:0012316, OMIM 609628.

Submission:

Labcorp Genetics (formerly Invitae), Labcorp
Classification: Uncertain significance for Majeed syndrome. Last evaluated: 2021-07-18. Review status: criteria provided, single submitter. Criteria: Invitae Variant Classification Sherloc (09022015). Collection method: clinical testing. Allele origin: germline.
Comment: In summary, the available evidence is currently insufficient to determine the role of this variant in disease. Therefore, it has been classified as a Variant of Uncertain Significance. Algorithms developed to predict the effect of sequence changes on RNA splicing suggest that this variant may create or strengthen a splice site. Algorithms developed to predict the effect of missense changes on protein structure and function (SIFT, PolyPhen-2, Align-GVGD) all suggest that this variant is likely to be tolerated. This variant has not been reported in the literature in individuals affected with LPIN2-related conditions. This variant is not present in population databases (ExAC no frequency). This sequence change replaces leucine with arginine at codon 350 of the LPIN2 protein (p.Leu350Arg). The leucine residue is weakly conserved and there is a moderate physicochemical difference between leucine and arginine.

NM_001375808.2(LPIN2):c.1049T>G (p.Leu350Arg)

Gene: LPIN2 (lipin 2; minus strand). Cytogenetic location: 18p11.31.
Variant type: single nucleotide variant.
Coding change: c.1049T>G on transcript NM_001375808.2 (MANE Select); coding-DNA position 1049, T replaced by G.
Protein change: p.Leu350Arg; replaces leucine 350 with arginine.
Molecular consequence: missense variant.
Genome position (GRCh38, 1-based): chr18:2,937,811, A>C on the plus strand (T>G on the coding strand, the complement: LPIN2 is on the minus strand). VCF-style: chr18-2937811-A-C. GRCh37 (hg19) VCF-style: chr18-2937809-A-C.
Other names: c.1049T>G, p.Leu350Arg (NM_014646.2, NM_001375809.1); short protein forms L350R.
Identifiers: ClinVar variation 1406291 (VCV001406291.8), dbSNP rs2144195296, ClinGen allele CA401706406.